The following is an entry in ClinVar:

ClinVar aggregate classification (germline): Pathogenic (1 of 4 stars; one submission).

Submission:

CeGaT Center for Human Genetics Tuebingen
Classification: Pathogenic. Last evaluated: 2026-07-01. Review status: criteria provided, single submitter. Criteria: CeGaT Center For Human Genetics Tuebingen Variant Classification Criteria Version 2. Collection method: clinical testing. Allele origin: germline. Affected: yes. Observed: 1 variant allele.
Comment: NSD1: PVS1, PM2, PS2:Moderate

NM_022455.5(NSD1):c.916G>T (p.Glu306Ter)

Gene: NSD1 (nuclear receptor binding SET domain protein 1; plus strand). Cytogenetic location: 5q35.3.
Variant type: single nucleotide variant.
Coding change: c.916G>T on transcript NM_022455.5 (MANE Select); coding-DNA position 916, G replaced by T.
Protein change: p.Glu306Ter; replaces glutamic acid 306 with a stop codon.
Molecular consequence: nonsense.
Genome position (GRCh38, 1-based): chr5:177,136,019, G>T. VCF-style: chr5-177136019-G-T. GRCh37 (hg19) VCF-style: chr5-176563020-G-T.
Other names: c.43G>T, p.Glu15Ter (NM_001365684.2, NM_001409305.1, NM_001409306.1 and 4 more transcripts); c.916G>T, p.Glu306Ter (NM_001409301.1, NM_001409302.1, NM_001409303.1); c.496G>T, p.Glu166Ter (NM_001409304.1); short protein forms E15*, E166*, E306*.
Identifiers: ClinVar variation 5039562 (VCV005039562.1).